The following is an entry in ClinVar:

ClinVar aggregate classification (germline): Uncertain significance (1 of 4 stars; one submission).

Submission:

GeneDx
Classification: Uncertain significance. Last evaluated: 2025-06-30. Review status: criteria provided, single submitter. Criteria: GeneDx Variant Classification Process June 2021. Collection method: clinical testing. Allele origin: germline. Affected: yes.
Comment: Not observed at significant frequency in large population cohorts (gnomAD); In silico analysis supports that this missense variant has a deleterious effect on protein structure/function; Has not been previously published as pathogenic or benign to our knowledge; In silico analysis suggests this variant may impact gene splicing. In the absence of RNA/functional studies, the actual effect of this sequence change is unknown.

NM_002742.3(PRKD1):c.535G>T (p.Gly179Trp)

Gene: PRKD1 (protein kinase D1; minus strand). Cytogenetic location: 14q12.
Variant type: single nucleotide variant.
Coding change: c.535G>T on transcript NM_002742.3 (MANE Select); coding-DNA position 535, G replaced by T.
Protein change: p.Gly179Trp; replaces glycine 179 with tryptophan.
Molecular consequence: missense variant.
Genome position (GRCh38, 1-based): chr14:29,666,077, C>A on the plus strand (G>T on the coding strand, the complement: PRKD1 is on the minus strand). VCF-style: chr14-29666077-C-A. GRCh37 (hg19) VCF-style: chr14-30135283-C-A.
Other names: c.535G>T, p.Gly179Trp (NM_001330069.2); c.247G>T, p.Gly83Trp (NM_001348390.1); short protein forms G179W, G83W.
Identifiers: ClinVar variation 4681025 (VCV004681025.1).